The following is an entry in ClinVar:

ClinVar aggregate classification (germline): Uncertain significance (1 of 4 stars; one submission).

Allele frequency attached by ClinVar (database versions not stated): TOPMed 0.00001.

Submission:

CeGaT Center for Human Genetics Tuebingen
Classification: Uncertain significance. Last evaluated: 2022-07-01. Review status: criteria provided, single submitter. Criteria: CeGaT Center For Human Genetics Tuebingen Variant Classification Criteria Version 2. Collection method: clinical testing. Allele origin: germline. Affected: yes. Observed: 1 variant allele.
Comment: NRAP: PM2

NM_198060.4(NRAP):c.65T>C (p.Ile22Thr)

Gene: NRAP (nebulin related anchoring protein; minus strand). Cytogenetic location: 10q25.3.
Variant type: single nucleotide variant.
Coding change: c.65T>C on transcript NM_198060.4 (MANE Select); coding-DNA position 65, T replaced by C.
Protein change: p.Ile22Thr; replaces isoleucine 22 with threonine.
Molecular consequence: missense variant.
Genome position (GRCh38, 1-based): chr10:113,663,818, A>G on the plus strand (T>C on the coding strand, the complement: NRAP is on the minus strand). VCF-style: chr10-113663818-A-G. GRCh37 (hg19) VCF-style: chr10-115423577-A-G.
Other names: c.65T>C, p.Ile22Thr (NM_001261463.2, NM_001322945.2, NM_006175.5); short protein forms I22T.
Identifiers: ClinVar variation 2640851 (VCV002640851.24), dbSNP rs1382904847, ClinGen allele CA378437231.
Genomic context (GRCh38, chr10:113,663,818, plus strand): 5'-GTCAATTTCCTGTGTTTGTTATTATTCACAAAAGCCAAGAAATGTCTACTGACCTGATCT[A>G]TACAGCTGATCTTCTCGGCAGGATAAACCCCATACCCACACCTAGAACAGGGCTGCACAT-3'
Protein context (NP_932326.2, residues 12-32): GVYPAEKISC[Ile22Thr]DQIWHKACFH